The following is an entry in ClinVar:

NM_004006.2:c.(?_-127963)_(4233+1_4234-1)del

Gene: DMD (dystrophin; minus strand).
Variant type: Deletion.
Identifiers: ClinVar variation 4820450 (VCV004820450.1).

ClinVar aggregate classification (germline): Likely pathogenic (1 of 4 stars; one submission).

Conditions:
Cardiovascular phenotype. Identifiers: MedGen CN230736.

Submission:

Molecular Diagnostic Laboratory for Inherited Cardiovascular Disease, Montreal Heart Institute
Classification: Likely pathogenic for Cardiovascular phenotype. Last evaluated: 2025-08-25. Review status: criteria provided, single submitter. Criteria: ACMG Guidelines, 2015. Collection method: clinical testing. Allele origin: germline. Affected: yes.
Comment: PVS1, PM2